The following is an entry in ClinVar:

NM_017637.6(BNC2):c.129+6T>G

Gene: BNC2 (basonuclin zinc finger protein 2; minus strand). Cytogenetic location: 9p22.2.
Variant type: single nucleotide variant.
Coding change: c.129+6T>G on transcript NM_017637.6 (MANE Select); 6 bases into the intron after coding-DNA position 129, T replaced by G.
Molecular consequence: intron variant.
Genome position (GRCh38, 1-based): chr9:16,738,354, A>C on the plus strand (T>G on the coding strand, the complement: BNC2 is on the minus strand). VCF-style: chr9-16738354-A-C. GRCh37 (hg19) VCF-style: chr9-16738352-A-C.
Other names: c.4-10357T>G (NM_001317939.2); c.45+93890T>G (NM_001317940.2).
Identifiers: ClinVar variation 3347836 (VCV003347836.1).

ClinVar aggregate classification (germline): Uncertain significance (0 of 4 stars; one submission).

Conditions:
BNC2-related disorder. Also called: BNC2-related condition.

Submission:

PreventionGenetics, part of Exact Sciences
Classification: Uncertain significance for BNC2-related condition. Last evaluated: 2024-08-27. Review status: no assertion criteria provided. Collection method: clinical testing. Allele origin: germline.
Comment: The BNC2 c.129+6T>G variant is predicted to interfere with splicing. To our knowledge, this variant has not been reported in the literature or in a large population database, indicating this variant is rare. At this time, the clinical significance of this variant is uncertain due to the absence of conclusive functional and genetic evidence.